The following is an entry in ClinVar:

ClinVar aggregate classification (germline): Likely benign. Review status: criteria provided, multiple submitters, no conflicts (2 of 4 stars). 3 submissions from 3 submitters: Likely benign (2). 1 of the submissions does not count toward it. Last evaluated 2025-06-23.

Conditions:
CCBE1-related disorder. Also called: CCBE1-related condition.

Allele frequency attached by ClinVar (database versions not stated): gnomAD 0.00001; gnomAD exomes 0.00003 and 0.00011; TOPMed 0.00003; ExAC 0.00006; 1000 Genomes Project 30x 0.00016; 1000 Genomes Project 0.00020.
gnomAD v4.1: 46 of 1,614,110 alleles (0.0028%); highest among the groups gnomAD compares: Admixed American, 0.057%; 1 homozygote.

Submissions (3):

Labcorp Genetics (formerly Invitae), Labcorp
Classification: Likely benign. Last evaluated: 2025-06-23. Review status: criteria provided, single submitter. Criteria: Invitae Variant Classification Sherloc (09022015). Collection method: clinical testing. Allele origin: germline.

CeGaT Center for Human Genetics Tuebingen
Classification: Likely benign. Last evaluated: 2023-05-01. Review status: criteria provided, single submitter. Criteria: CeGaT Center For Human Genetics Tuebingen Variant Classification Criteria Version 2. Collection method: clinical testing. Allele origin: germline. Affected: yes. Observed: 1 variant allele.
Comment: CCBE1: BP4, BP7

PreventionGenetics, part of Exact Sciences
Classification: Likely benign for CCBE1-related condition. Last evaluated: 2020-06-12. Review status: no assertion criteria provided. Collection method: clinical testing. Allele origin: germline. Not counted in ClinVar's aggregate classification.
Comment: This variant is classified as likely benign based on ACMG/AMP sequence variant interpretation guidelines (Richards et al. 2015 PMID: 25741868, with internal and published modifications).

NM_133459.4(CCBE1):c.282C>T (p.Ala94=)

Gene: CCBE1 (collagen and calcium binding EGF domains 1; minus strand). Cytogenetic location: 18q21.32.
Variant type: single nucleotide variant.
Coding change: c.282C>T on transcript NM_133459.4 (MANE Select); coding-DNA position 282, C replaced by T.
Protein change: p.Ala94=; no amino-acid change (alanine 94 retained).
Molecular consequence: synonymous variant.
Genome position (GRCh38, 1-based): chr18:59,469,591, G>A on the plus strand (C>T on the coding strand, the complement: CCBE1 is on the minus strand). VCF-style: chr18-59469591-G-A. GRCh37 (hg19) VCF-style: chr18-57136823-G-A.
Other names: c.282C>T (NM_133459.3).
Identifiers: ClinVar variation 1591353 (VCV001591353.37), dbSNP rs201917831, ClinGen allele CA8980548.